The following is an entry in ClinVar:

NM_032038.3(SPNS1):c.981C>A (p.Leu327=)

Gene: SPNS1 (SPNS lysolipid transporter 1, lysophospholipid; plus strand). Cytogenetic location: 16p11.2.
Variant type: single nucleotide variant.
Coding change: c.981C>A on transcript NM_032038.3 (MANE Select); coding-DNA position 981, C replaced by A.
Protein change: p.Leu327=; no amino-acid change (leucine 327 retained).
Molecular consequence: synonymous variant.
Genome position (GRCh38, 1-based): chr16:28,982,371, C>A. VCF-style: chr16-28982371-C-A. GRCh37 (hg19) VCF-style: chr16-28993692-C-A.
Other names: c.762C>A, p.Leu254= (NM_001142450.2); c.825C>A, p.Leu275= (NM_001142451.2); c.981C>A, p.Leu327= (NM_001142448.2); c.759C>A, p.Leu253= (NM_001142449.2).
Identifiers: ClinVar variation 2646357 (VCV002646357.24), dbSNP rs200282766, ClinGen allele CA7989484.
Genomic context (GRCh38, chr16:28,982,371, plus strand): 5'-GGCAGGCACAGGGACAAACCCCCCATTCCCTTCCCTCACCCCTAGTCTCATCTTTGGACT[C>A]ATCACCTGCCTGACCGGAGTCCTGGGTGTGGGCCTGGGTGTGGAGATCAGCCGCCGGCTC-3'
Protein context (NP_114427.1, residues 317-337): CSSSDSLIFG[Leu327=]ITCLTGVLGV

ClinVar aggregate classification (germline): Likely benign (1 of 4 stars; one submission).

Allele frequency attached by ClinVar (database versions not stated): ESP Exome Variant Server 0.00015; 1000 Genomes Project 30x 0.00016; 1000 Genomes Project 0.00020; TOPMed 0.00023; gnomAD exomes 0.00035; gnomAD 0.00052; ExAC 0.00092.
gnomAD v4.1: 599 of 1,596,922 alleles (0.038%); highest among the groups gnomAD compares: East Asian, 0.087%; no homozygotes.

Submission:

CeGaT Center for Human Genetics Tuebingen
Classification: Likely benign. Last evaluated: 2022-12-01. Review status: criteria provided, single submitter. Criteria: CeGaT Center For Human Genetics Tuebingen Variant Classification Criteria Version 2. Collection method: clinical testing. Allele origin: germline. Affected: yes. Observed: 1 variant allele.
Comment: SPNS1: BP4, BP7